The following is an entry in ClinVar:

NM_000202.8(IDS):c.794dup (p.Asn265fs)

Genes: IDS (iduronate 2-sulfatase; minus strand), LOC106050102 (IDS recombination region; plus strand). Cytogenetic location: Xq28.
Variant type: Duplication.
Coding change: c.794dup on transcript NM_000202.8 (MANE Select); coding-DNA position 794, one base duplicated (A; older notation c.794dupA).
Protein change: p.Asn265fs; shifts the reading frame from asparagine 265.
Molecular consequence: frameshift variant. On other transcripts: non-coding transcript variant (1).
Genome position (GRCh38, 1-based): chrX:149,496,431, T duplicated on the plus strand (A on the coding strand, the reverse complement: IDS is on the minus strand); the first of 2 consecutive T bases (chrX:149,496,431-149,496,432); duplicating either gives the same sequence. VCF-style (leftmost placement, unchanged base first): chrX-149496430-G-GT. GRCh37 (hg19) VCF-style: chrX-148577961-G-GT.
Other names: c.524dup, p.Asn175fs (NM_001166550.4); c.794dup, p.Asn265fs (NM_006123.5); short protein forms N175fs, N265fs.
Identifiers: ClinVar variation 4856312 (VCV004856312.1).
Genomic context (GRCh38, chrX:149,496,430, plus strand): 5'-ATACGGCACACTGATGTTTAAGGCTTGGACGTCTTCCCGTTGCCTGATGTCCATCCAGGG[G>GT]TTGTAGGCCACAGGGGGTAGGCCATCAGGGACCTCGGGATCGGGGGCCAGGGTGATGTTC-3'

ClinVar aggregate classification (germline): Likely pathogenic (1 of 4 stars; one submission).

Conditions:
Mucopolysaccharidosis, MPS-II (MPS2). Also called: Mucopolysaccharidosis with skin involvement; Mucopolysaccharidosis type 2; Attenuated MPS (subtype; formerly known as mild MPS II); Severe MPS II; I2S deficiency; MPS 2. Identifiers: Orphanet 580, Orphanet 79388, MedGen C0026705, MONDO:0010674, OMIM 309900.

Submission:

3billion
Classification: Likely pathogenic for Mucopolysaccharidosis, MPS-II. Last evaluated: 2025-10-01. Review status: criteria provided, single submitter. Criteria: ACMG Guidelines, 2015. Collection method: clinical testing. Allele origin: germline. Affected: yes.
Comment: The variant is not observed in the gnomAD v4.1.0 dataset. Predicted Consequence/Location: Frameshift: predicted to result in a loss or disruption of normal protein function through nonsense-mediated decay (NMD) or protein truncation. Multiple pathogenic variants are reported downstream of the variant. Therefore, this variant is classified as Likely pathogenic according to the recommendation of ACMG/AMP guideline.